The following is an entry in ClinVar:

ClinVar aggregate classification (germline): Likely benign. Review status: criteria provided, multiple submitters, no conflicts (2 of 4 stars). 2 submissions from 2 submitters: Likely benign (2). Last evaluated 2025-01-01.

Submissions (2):

CeGaT Center for Human Genetics Tuebingen
Classification: Likely benign. Last evaluated: 2025-01-01. Review status: criteria provided, single submitter. Criteria: CeGaT Center For Human Genetics Tuebingen Variant Classification Criteria Version 2. Collection method: clinical testing. Allele origin: germline. Affected: yes. Observed: 3 variant alleles.
Comment: FXN: PM2:Supporting, BP4, BP7

Blueprint Genetics
Classification: Likely benign. Last evaluated: 2018-03-06. Review status: criteria provided, single submitter. Criteria: ACMG Guidelines, 2015. Collection method: clinical testing. Allele origin: germline.

NM_000144.5(FXN):c.105A>C (p.Pro35=)

Genes: FXN (frataxin; plus strand), LOC130001862 (ATAC-STARR-seq lymphoblastoid silent region 19931; plus strand). Cytogenetic location: 9q21.11.
Variant type: single nucleotide variant.
Coding change: c.105A>C on transcript NM_000144.5 (MANE Select); coding-DNA position 105, A replaced by C.
Protein change: p.Pro35=; no amino-acid change (proline 35 retained).
Molecular consequence: synonymous variant.
Genome position (GRCh38, 1-based): chr9:69,035,887, A>C. VCF-style: chr9-69035887-A-C. GRCh37 (hg19) VCF-style: chr9-71650803-A-C.
Other names: c.105A>C, p.Pro35= (NM_181425.3).
Identifiers: ClinVar variation 2659238 (VCV002659238.25), dbSNP rs1236199615, ClinGen allele CA465233178.